The following is an entry in ClinVar:

NM_001510.4(GRID2):c.1077C>A (p.Asn359Lys)

Gene: GRID2 (glutamate ionotropic receptor delta type subunit 2; plus strand). Cytogenetic location: 4q22.2.
Variant type: single nucleotide variant.
Coding change: c.1077C>A on transcript NM_001510.4 (MANE Select); coding-DNA position 1077, C replaced by A.
Protein change: p.Asn359Lys; replaces asparagine 359 with lysine.
Molecular consequence: missense variant.
Genome position (GRCh38, 1-based): chr4:93,224,727, C>A. VCF-style: chr4-93224727-C-A. GRCh37 (hg19) VCF-style: chr4-94145878-C-A.
Other names: c.792C>A, p.Asn264Lys (NM_001286838.1); short protein forms N264K, N359K.
Identifiers: ClinVar variation 2654951 (VCV002654951.24), dbSNP rs746179603, ClinGen allele CA357723492.
Genomic context (GRCh38, chr4:93,224,727, plus strand): 5'-TAAGAAGCTGGAGGACCGAAAGTGGCACAGCATGGCAAGTCTGTCATGTATCAGAAAGAA[C>A]TCAAAGCCCTGGCAGGGTGGGCGCTCCATGTTGGAGACCATCAAGAAGGTAACTTCTTAA-3'
Protein context (NP_001501.2, residues 349-369): SMASLSCIRK[Asn359Lys]SKPWQGGRSM

ClinVar aggregate classification (germline): Uncertain significance (1 of 4 stars; one submission).

Submission:

CeGaT Center for Human Genetics Tuebingen
Classification: Uncertain significance. Last evaluated: 2022-10-01. Review status: criteria provided, single submitter. Criteria: CeGaT Center For Human Genetics Tuebingen Variant Classification Criteria Version 2. Collection method: clinical testing. Allele origin: germline. Affected: yes. Observed: 1 variant allele.
Comment: GRID2: PM2